The following is an entry in ClinVar:

NM_000124.4(ERCC6):c.3779-1G>A

Gene: ERCC6 (ERCC excision repair 6, chromatin remodeling factor; minus strand). Cytogenetic location: 10q11.23.
Variant type: single nucleotide variant.
Coding change: c.3779-1G>A on transcript NM_000124.4 (MANE Select); the canonical splice acceptor site of the intron before coding-DNA position 3779, G replaced by A.
Molecular consequence: splice acceptor variant.
Genome position (GRCh38, 1-based): chr10:49,461,557, C>T on the plus strand (G>A on the coding strand, the complement: ERCC6 is on the minus strand). VCF-style: chr10-49461557-C-T. GRCh37 (hg19) VCF-style: chr10-50669603-C-T.
Other names: c.3779-1G>A (NM_001346440.2).
Identifiers: ClinVar variation 2757366 (VCV002757366.3), dbSNP rs2495950157, ClinGen allele CA376708835.

ClinVar aggregate classification (germline): Likely pathogenic (1 of 4 stars; one submission).

Submission:

Labcorp Genetics (formerly Invitae), Labcorp
Classification: Likely pathogenic. Last evaluated: 2024-01-02. Review status: criteria provided, single submitter. Criteria: Invitae Variant Classification Sherloc (09022015). Collection method: clinical testing. Allele origin: germline.
Comment: This sequence change affects an acceptor splice site in intron 18 of the ERCC6 gene. It is expected to disrupt RNA splicing. Variants that disrupt the donor or acceptor splice site typically lead to a loss of protein function (PMID: 16199547), and loss-of-function variants in ERCC6 are known to be pathogenic (PMID: 18628313, 29572252). This variant is not present in population databases (gnomAD no frequency). This variant has not been reported in the literature in individuals affected with ERCC6-related conditions. Algorithms developed to predict the effect of sequence changes on RNA splicing suggest that this variant may disrupt the consensus splice site. In summary, the currently available evidence indicates that the variant is pathogenic, but additional data are needed to prove that conclusively. Therefore, this variant has been classified as Likely Pathogenic.

Literature cited by the submitters: PubMed 16199547; PubMed 18628313; PubMed 29572252.